The following is an entry in ClinVar:

ClinVar aggregate classification (germline): Likely pathogenic (1 of 4 stars; one submission).

Conditions:
Primary ciliary dyskinesia. Also called: Ciliary dyskinesia. Identifiers: Orphanet 244, MedGen C0008780, MONDO:0016575, HP:0012265.

gnomAD v4.1: 200 of 1,614,016 alleles (0.012%); highest among the groups gnomAD compares: East Asian, 0.074%; no homozygotes.

Submission:

Department of Human Genetics, Hannover Medical School
Classification: Likely pathogenic for Primary Ciliary Dyskinesia. Last evaluated: 2026-04-01. Review status: criteria provided, single submitter. Criteria: ACMG Guidelines, 2015. Collection method: research. Allele origin: germline. Affected: no.
Comment: Classification performed by HerediClassify using the following criteria:['PM2_supporting: Variant occures does not occur as homozygous in gnomAD.', 'PVS1_protein_very_strong: Transcript ENST00000380473 is predicted to undergo NMD. ']

NM_152325.3(TEX26):c.547C>T (p.Arg183Ter)

Gene: TEX26 (testis expressed 26; plus strand). Cytogenetic location: 13q12.3.
Variant type: single nucleotide variant.
Coding change: c.547C>T on transcript NM_152325.3 (MANE Select); coding-DNA position 547, C replaced by T.
Protein change: p.Arg183Ter; replaces arginine 183 with a stop codon.
Molecular consequence: nonsense.
Genome position (GRCh38, 1-based): chr13:30,966,299, C>T. VCF-style: chr13-30966299-C-T. GRCh37 (hg19) VCF-style: chr13-31540436-C-T.
Other names: c.154C>T, p.Arg52Ter (NM_001353388.2, NM_001353389.2, NM_001353390.2 and 1 more transcripts); short protein forms R183*, R52*.
Identifiers: ClinVar variation 4880125 (VCV004880125.1).